The following is an entry in ClinVar:

NM_001182.5(ALDH7A1):c.1426T>G (p.Ser476Ala)

Gene: ALDH7A1 (aldehyde dehydrogenase 7 family member A1; minus strand). Cytogenetic location: 5q23.2.
Variant type: single nucleotide variant.
Coding change: c.1426T>G on transcript NM_001182.5 (MANE Select); coding-DNA position 1426, T replaced by G.
Protein change: p.Ser476Ala; replaces serine 476 with alanine.
Molecular consequence: missense variant.
Genome position (GRCh38, 1-based): chr5:126,549,992, A>C on the plus strand (T>G on the coding strand, the complement: ALDH7A1 is on the minus strand). VCF-style: chr5-126549992-A-C. GRCh37 (hg19) VCF-style: chr5-125885684-A-C.
Other names: c.1342T>G, p.Ser448Ala (NM_001201377.2); c.1234T>G, p.Ser412Ala (NM_001202404.2); short protein forms S412A, S448A, S476A.
Identifiers: ClinVar variation 3384684 (VCV003384684.2).

ClinVar aggregate classification (germline): Uncertain significance (1 of 4 stars; one submission).

Conditions:
Pyridoxine-dependent epilepsy (EPEO4). Also called: PYRIDOXINE DEPENDENCY WITH SEIZURES; Pyridoxine-Dependent Seizures; Pyridoxine-Dependent Epilepsy - ALDH7A1; EPILEPSY, EARLY-ONSET, 4, VITAMIN B6-DEPENDENT. Identifiers: Orphanet 3006, MedGen C1849508, MONDO:0009945, OMIM 266100. Disease mechanism: loss of function.

Submission:

Neurogenetics Team, Indira Gandhi Institute of Child Health
Classification: Uncertain significance for Pyridoxine-dependent epilepsy. Last evaluated: 2024-10-18. Review status: criteria provided, single submitter. Criteria: ACMG Guidelines, 2015. Collection method: clinical testing. Allele origin: biparental. Inheritance: Autosomal recessive inheritance. Affected: yes. Observed: 1 compound heterozygote.
Comment: The identified variant, c.1426T>G, p.(Ser476Ala) is present in extremely low frequency in GnomAD and other population databases (PM2). The variant is found to be damaging to the protein as predicted by multiple InSilico tools (PP3). The variant is identified in compound heterozygous state with another variant c.1009-1G>A and segregated with the disease in the family.